The following is an entry in ClinVar:

NM_000321.3(RB1):c.1220G>A (p.Cys407Tyr)

Gene: RB1 (RB transcriptional corepressor 1; plus strand). Cytogenetic location: 13q14.2.
Variant type: single nucleotide variant.
Coding change: c.1220G>A on transcript NM_000321.3 (MANE Select); coding-DNA position 1220, G replaced by A.
Protein change: p.Cys407Tyr; replaces cysteine 407 with tyrosine.
Molecular consequence: missense variant.
Genome position (GRCh38, 1-based): chr13:48,376,922, G>A. VCF-style: chr13-48376922-G-A. GRCh37 (hg19) VCF-style: chr13-48951058-G-A.
Other names: c.1220G>A, p.Cys407Tyr (NM_001407165.1, NM_001407166.1); short protein forms C407Y.
Identifiers: ClinVar variation 2585728 (VCV002585728.3), dbSNP rs2138136183, ClinGen allele CA388161938.

ClinVar aggregate classification (germline): Uncertain significance (1 of 4 stars; one submission).

Conditions:
Hereditary cancer-predisposing syndrome. Also called: Neoplastic Syndromes, Hereditary; Tumor predisposition; Hereditary Cancer Syndrome; Hereditary neoplastic syndrome. Identifiers: Orphanet 140162, MedGen C0027672, MeSH D009386, MONDO:0015356.

Submission:

Ambry Genetics
Classification: Uncertain significance for Hereditary cancer-predisposing syndrome. Last evaluated: 2026-04-13. Review status: criteria provided, single submitter. Criteria: Ambry Variant Classification Scheme 2023. Collection method: clinical testing. Allele origin: germline.
Comment: The p.C407Y variant (also known as c.1220G>A), located in coding exon 13 of the RB1 gene, results from a G to A substitution at nucleotide position 1220. The cysteine at codon 407 is replaced by tyrosine, an amino acid with highly dissimilar properties. This amino acid position is highly conserved in available vertebrate species. In addition, this alteration is predicted to be deleterious by in silico analysis. Based on the available evidence, the clinical significance of this variant remains unclear.